The following is an entry in ClinVar:

NM_003873.7(NRP1):c.2745T>C (p.Asn915=)

Gene: NRP1 (neuropilin 1; minus strand). Cytogenetic location: 10p11.22.
Variant type: single nucleotide variant.
Coding change: c.2745T>C on transcript NM_003873.7 (MANE Select); coding-DNA position 2745, T replaced by C.
Protein change: p.Asn915=; no amino-acid change (asparagine 915 retained).
Molecular consequence: synonymous variant. On other transcripts: non-coding transcript variant (1).
Genome position (GRCh38, 1-based): chr10:33,180,103, A>G on the plus strand (T>C on the coding strand, the complement: NRP1 is on the minus strand). VCF-style: chr10-33180103-A-G. GRCh37 (hg19) VCF-style: chr10-33469031-A-G.
Other names: c.2727T>C, p.Asn909= (NM_001244972.2); c.2724T>C, p.Asn908= (NM_001244973.2); c.2694T>C, p.Asn898= (NM_001330068.2).
Identifiers: ClinVar variation 4998890 (VCV004998890.1).
Genomic context (GRCh38, chr10:33,180,103, plus strand): 5'-GTCCTTTGACTGTCTTTTCATCTCTGTCTGCCTTCATGCCTCCGAATAAGTACTCTGTGT[A>G]TTCAGTTTGTCTTTTTTCAACTTCACACCATCCACAAGTTCAAAGTTATAGTTCTCCAGG-3'
Protein context (NP_003864.5, residues 905-923): DGVKLKKDKL[Asn915=]TQSTYSEA

ClinVar aggregate classification (germline): Likely benign (1 of 4 stars; one submission).

Conditions:
NRP1-related disorder. Also called: NRP1-related condition.

gnomAD v4.1: 4 of 1,613,876 alleles (0.00025%); highest among the groups gnomAD compares: Non-Finnish European, 0.00034%; no homozygotes.

Submission:

PreventionGenetics, part of Exact Sciences
Classification: Likely benign for NRP1-related condition. Last evaluated: 2025-02-05. Review status: criteria provided, single submitter. Criteria: ACMG Guidelines, 2015. Collection method: clinical testing. Allele origin: germline.
Comment: This variant is classified as likely benign based on ACMG/AMP sequence variant interpretation guidelines (Richards et al. 2015 PMID: 25741868, with internal and published modifications).